The following is an entry in ClinVar:

NM_000322.5(PRPH2):c.914_922del (p.Gly305_Leu308delinsVal)

Gene: PRPH2 (peripherin 2; minus strand). Cytogenetic location: 6p21.1.
Variant type: Deletion.
Coding change: c.914_922del on transcript NM_000322.5 (MANE Select); coding-DNA positions 914 to 922, 9 bases deleted (GCTGGCTGC; older notation c.914_922delGCTGGCTGC).
Protein change: p.Gly305_Leu308delinsVal.
Molecular consequence: inframe indel.
Genome position (GRCh38, 1-based): chr6:42,698,414-42,698,422, GCAGCCAGC deleted on the plus strand (GCTGGCTGC on the coding strand, the reverse complement: PRPH2 is on the minus strand). VCF-style (leftmost placement, unchanged base first): chr6-42698413-AGCAGCCAGC-A. GRCh37 (hg19) VCF-style: chr6-42666151-AGCAGCCAGC-A.
Identifiers: ClinVar variation 98719 (VCV000098719.2), dbSNP rs281865374, ClinGen allele CA226328.

ClinVar aggregate classification (germline): Pathogenic. Review status: no assertion criteria provided (0 of 4 stars). 2 submissions from 2 submitters: Pathogenic (1). 1 of the submissions does not count toward it. Last evaluated 2021-04-06.

Submissions (2):

Leiden Open Variation Database
Classification: Pathogenic. Last evaluated: 2021-04-06. Review status: no assertion criteria provided. Collection method: curation. Allele origin: germline. Affected: yes.
Comment: Curator: Global Variome, with Curator vacancy. Submitter to LOVD: Manon Peeters.

Retina International
No classification provided. Review status: no classification provided. Collection method: not provided. Allele origin: not provided. Not counted in ClinVar's aggregate classification.